The following is an entry in ClinVar:

ClinVar aggregate classification (germline): Likely benign (1 of 4 stars; one submission).

Conditions:
MGAM-related disorder. Also called: MGAM-related condition.

gnomAD v4.1: 907 of 1,613,518 alleles (0.056%); highest among the groups gnomAD compares: Non-Finnish European, 0.072%; 2 homozygotes.

Submission:

PreventionGenetics, part of Exact Sciences
Classification: Likely benign for MGAM-related condition. Last evaluated: 2025-10-20. Review status: criteria provided, single submitter. Criteria: ACMG Guidelines, 2015. Collection method: clinical testing. Allele origin: germline.
Comment: This variant is classified as likely benign based on ACMG/AMP sequence variant interpretation guidelines (Richards et al. 2015 PMID: 25741868, with internal and published modifications).

NM_001365693.1(MGAM):c.825G>A (p.Arg275=)

Gene: MGAM (maltase-glucoamylase; plus strand). Cytogenetic location: 7q34.
Variant type: single nucleotide variant.
Coding change: c.825G>A on transcript NM_001365693.1 (MANE Select); coding-DNA position 825, G replaced by A.
Protein change: p.Arg275=; no amino-acid change (arginine 275 retained).
Molecular consequence: synonymous variant.
Genome position (GRCh38, 1-based): chr7:142,022,382, G>A. VCF-style: chr7-142022382-G-A. GRCh37 (hg19) VCF-style: chr7-141722182-G-A.
Other names: c.825G>A, p.Arg275= (NM_004668.3).
Identifiers: ClinVar variation 4981108 (VCV004981108.1).
Genomic context (GRCh38, chr7:142,022,382, plus strand): 5'-CACTCGACTGCCTAGCACTAACGTGTATGGCCTGGGAGAGCATGTGCACCAGCAGTATCG[G>A]CATGATATGAATTGGAAGACCTGGCCCATATTTAACAGAGACACAACTCCCAATGGAGTA-3'
Protein context (NP_001352622.1, residues 265-285): GLGEHVHQQY[Arg275=]HDMNWKTWPI